The following is an entry in ClinVar:

ClinVar aggregate classification (germline): Uncertain significance. Review status: criteria provided, multiple submitters, no conflicts (2 of 4 stars). 2 submissions from 2 submitters: Uncertain significance (2). Last evaluated 2025-05-05.

Conditions:
Inborn genetic diseases. Identifiers: MedGen C0950123, MeSH D030342.
Fanconi anemia (FA). Also called: Fanconi's anemia. Identifiers: Orphanet 84, MedGen C0015625, MeSH D005199, MONDO:0019391.

Submissions (2):

Ambry Genetics
Classification: Uncertain significance for Inborn genetic diseases. Last evaluated: 2025-05-05. Review status: criteria provided, single submitter. Criteria: Ambry Variant Classification Scheme 2023. Collection method: clinical testing. Allele origin: germline.
Comment: The p.R520H variant (also known as c.1559G>A), located in coding exon 12 of the FANCG gene, results from a G to A substitution at nucleotide position 1559. The arginine at codon 520 is replaced by histidine, an amino acid with highly similar properties. This amino acid position is conserved. In addition, this alteration is predicted to be deleterious by in silico analysis. Based on the available evidence, the clinical significance of this variant remains unclear.

Labcorp Genetics (formerly Invitae), Labcorp
Classification: Uncertain significance for Fanconi anemia. Last evaluated: 2024-11-05. Review status: criteria provided, single submitter. Criteria: Invitae Variant Classification Sherloc (09022015). Collection method: clinical testing. Allele origin: germline.
Comment: This sequence change replaces arginine, which is basic and polar, with histidine, which is basic and polar, at codon 520 of the FANCG protein (p.Arg520His). This variant is present in population databases (no rsID available, gnomAD 0.003%). This variant has not been reported in the literature in individuals affected with FANCG-related conditions. Invitae Evidence Modeling of protein sequence and biophysical properties (such as structural, functional, and spatial information, amino acid conservation, physicochemical variation, residue mobility, and thermodynamic stability) indicates that this missense variant is expected to disrupt FANCG protein function with a positive predictive value of 80%. In summary, the available evidence is currently insufficient to determine the role of this variant in disease. Therefore, it has been classified as a Variant of Uncertain Significance.

NM_004629.2(FANCG):c.1559G>A (p.Arg520His)

Gene: FANCG (FA complementation group G; minus strand). Cytogenetic location: 9p13.3.
Variant type: single nucleotide variant.
Coding change: c.1559G>A on transcript NM_004629.2 (MANE Select); coding-DNA position 1559, G replaced by A.
Protein change: p.Arg520His; replaces arginine 520 with histidine.
Molecular consequence: missense variant.
Genome position (GRCh38, 1-based): chr9:35,075,004, C>T on the plus strand (G>A on the coding strand, the complement: FANCG is on the minus strand). VCF-style: chr9-35075004-C-T. GRCh37 (hg19) VCF-style: chr9-35075001-C-T.
Other names: short protein forms R520H.
Identifiers: ClinVar variation 3719443 (VCV003719443.3).